The following is an entry in ClinVar:

ClinVar aggregate classification (germline): Uncertain significance. Review status: criteria provided, multiple submitters, no conflicts (2 of 4 stars). 3 submissions from 3 submitters: Uncertain significance (3). Last evaluated 2024-12-08.

Conditions:
Cardiovascular phenotype. Identifiers: MedGen CN230736.
Brugada syndrome. Also called: Sudden unexpected nocturnal death syndrome; Sudden Unexplained Death Syndrome; Sudden Unexplained Nocturnal Death Syndrome (SUNDS); Sudden unexplained nocturnal death syndrome. Identifiers: Orphanet 130, MedGen C1142166, MONDO:0015263.

Allele frequency attached by ClinVar (database versions not stated): TOPMed below 0.00001; ExAC 0.00001; gnomAD 0.00001.
gnomAD v4.1: 49 of 1,613,966 alleles (0.003%); highest among the groups gnomAD compares: Non-Finnish European, 0.0033%; no homozygotes.

Submissions (3):

Labcorp Genetics (formerly Invitae), Labcorp
Classification: Uncertain significance for Brugada syndrome. Last evaluated: 2024-12-08. Review status: criteria provided, single submitter. Criteria: Invitae Variant Classification Sherloc (09022015). Collection method: clinical testing. Allele origin: germline.
Comment: This sequence change replaces isoleucine, which is neutral and non-polar, with phenylalanine, which is neutral and non-polar, at codon 134 of the GPD1L protein (p.Ile134Phe). This variant is present in population databases (rs747897359, gnomAD 0.02%). This variant has not been reported in the literature in individuals affected with GPD1L-related conditions. ClinVar contains an entry for this variant (Variation ID: 1736995). Invitae Evidence Modeling of protein sequence and biophysical properties (such as structural, functional, and spatial information, amino acid conservation, physicochemical variation, residue mobility, and thermodynamic stability) indicates that this missense variant is not expected to disrupt GPD1L protein function with a negative predictive value of 80%. In summary, the available evidence is currently insufficient to determine the role of this variant in disease. Therefore, it has been classified as a Variant of Uncertain Significance.

GeneDx
Classification: Uncertain significance. Last evaluated: 2024-03-28. Review status: criteria provided, single submitter. Criteria: GeneDx Variant Classification Process June 2021. Collection method: clinical testing. Allele origin: germline. Affected: yes.
Comment: Has not been previously published as pathogenic or benign to our knowledge; In silico analysis supports that this missense variant has a deleterious effect on protein structure/function

Ambry Genetics
Classification: Uncertain significance for Cardiovascular phenotype. Last evaluated: 2021-02-05. Review status: criteria provided, single submitter. Criteria: Ambry Variant Classification Scheme 2023. Collection method: clinical testing. Allele origin: germline.
Comment: The p.I134F variant (also known as c.400A>T), located in coding exon 4 of the GPD1L gene, results from an A to T substitution at nucleotide position 400. The isoleucine at codon 134 is replaced by phenylalanine, an amino acid with highly similar properties. This amino acid position is highly conserved in available vertebrate species. In addition, the in silico prediction for this alteration is inconclusive. Since supporting evidence is limited at this time, the clinical significance of this alteration remains unclear.

NM_015141.4(GPD1L):c.400A>T (p.Ile134Phe)

Gene: GPD1L (glycerol-3-phosphate dehydrogenase 1 like; plus strand). Cytogenetic location: 3p22.3.
Variant type: single nucleotide variant.
Coding change: c.400A>T on transcript NM_015141.4 (MANE Select); coding-DNA position 400, A replaced by T.
Protein change: p.Ile134Phe; replaces isoleucine 134 with phenylalanine.
Molecular consequence: missense variant.
Genome position (GRCh38, 1-based): chr3:32,140,261, A>T. VCF-style: chr3-32140261-A-T. GRCh37 (hg19) VCF-style: chr3-32181753-A-T.
Other names: short protein forms I134F.
Identifiers: ClinVar variation 1736995 (VCV001736995.5), dbSNP rs747897359, ClinGen allele CA2296639.